The following is an entry in ClinVar:

ClinVar aggregate classification (germline): not provided (0 of 4 stars; one submission).

Conditions:
Gestational diabetes mellitus uncontrolled. Identifiers: MedGen C3532257.

Submission:

Institute of Molecular and Cell Biology, University of Tartu
No classification provided. Condition: Gestational diabetes mellitus uncontrolled. Review status: no classification provided. Collection method: case-control. Allele origin: unknown. Affected: yes. Study: Kasak2014.
Comment: The study aimed to determine the contribution of copy number variants in the genetic etiology of normal and complicated pregnancies. The samples represented (i) maternal blood DNA drawn from healthy pregnant women during 1st or 2nd trimester and (ii) maternal and paternal blood DNA drawn at term pregnancy cases representing normal and complicated gestations (severe preeclampsia, PE; gestational diabetes, GD; small-for-gestational age newborn, SGA; large-for-gestational age newborn, LGA). We performed CNV calling based on genome-wide genotyping dataset (Illumina HumanOmniExpress-24-v1 BeadChip) by applying three algorithms, QuantiSNP, GADA (Genome Alteration Detection Algorithm) and CNstream in parallel. The acquired CNV calls were merged with HD-CNV (Hotspot Detector for Copy Number Variants) program and only the CNVs predicted by at least two programs, were considered in subsequent analysis.

Literature cited by the submitters: PubMed 25666259.

Single allele

Variant type: Deletion.
Identifiers: ClinVar variation 157063 (VCV000157063.2).